The following is an entry in ClinVar:

ClinVar aggregate classification (germline): Uncertain significance. Review status: criteria provided, multiple submitters, no conflicts (2 of 4 stars). 3 submissions from 3 submitters: Uncertain significance (3). Last evaluated 2025-06-30.

Conditions:
Tuberous sclerosis syndrome (TSC). Also called: Tuberous Sclerosis Complex; Tuberous sclerosis. Identifiers: Orphanet 805, MedGen C0041341, MONDO:0001734.
Hereditary cancer-predisposing syndrome. Also called: Neoplastic Syndromes, Hereditary; Hereditary neoplastic syndrome; Tumor predisposition; Hereditary Cancer Syndrome. Identifiers: Orphanet 140162, MedGen C0027672, MeSH D009386, MONDO:0015356.
Tuberous sclerosis 2 (TSC2). Identifiers: Orphanet 805, MedGen C1860707, MONDO:0013199, OMIM 613254.

Submissions (3):

Color Diagnostics, LLC DBA Color Health
Classification: Uncertain significance for Tuberous sclerosis syndrome. Last evaluated: 2025-06-30. Review status: criteria provided, single submitter. Criteria: ACMG Guidelines, 2015. Collection method: clinical testing. Allele origin: germline.
Comment: This missense variant replaces aspartic acid with glycine at codon 1373 of the TSC2 protein. Computational prediction is inconclusive regarding the impact of this variant on protein structure and function. To our knowledge, functional studies have not been reported for this variant. This variant has not been reported in individuals affected with TSC2-related disorders in the literature. This variant has not been identified in the general population by the Genome Aggregation Database (gnomAD). The available evidence is insufficient to determine the role of this variant in disease conclusively. Therefore, this variant is classified as a Variant of Uncertain Significance.

Ambry Genetics
Classification: Uncertain significance for Hereditary cancer-predisposing syndrome. Last evaluated: 2024-05-04. Review status: criteria provided, single submitter. Criteria: Ambry Variant Classification Scheme 2023. Collection method: clinical testing. Allele origin: germline.
Comment: The p.D1373G variant (also known as c.4118A>G), located in coding exon 33 of the TSC2 gene, results from an A to G substitution at nucleotide position 4118. The aspartic acid at codon 1373 is replaced by glycine, an amino acid with similar properties. This amino acid position is conserved. In addition, the in silico prediction for this alteration is inconclusive. Based on the available evidence, the clinical significance of this variant remains unclear.

Labcorp Genetics (formerly Invitae), Labcorp
Classification: Uncertain significance for Tuberous sclerosis 2. Last evaluated: 2023-12-31. Review status: criteria provided, single submitter. Criteria: Invitae Variant Classification Sherloc (09022015). Collection method: clinical testing. Allele origin: germline.
Comment: This sequence change replaces aspartic acid, which is acidic and polar, with glycine, which is neutral and non-polar, at codon 1373 of the TSC2 protein (p.Asp1373Gly). This variant is not present in population databases (gnomAD no frequency). This variant has not been reported in the literature in individuals affected with TSC2-related conditions. ClinVar contains an entry for this variant (Variation ID: 835912). Advanced modeling of protein sequence and biophysical properties (such as structural, functional, and spatial information, amino acid conservation, physicochemical variation, residue mobility, and thermodynamic stability) performed at Invitae indicates that this missense variant is not expected to disrupt TSC2 protein function with a negative predictive value of 95%. In summary, the available evidence is currently insufficient to determine the role of this variant in disease. Therefore, it has been classified as a Variant of Uncertain Significance.

NM_000548.5(TSC2):c.4118A>G (p.Asp1373Gly)

Gene: TSC2 (TSC complex subunit 2; plus strand). Cytogenetic location: 16p13.3.
Variant type: single nucleotide variant.
Coding change: c.4118A>G on transcript NM_000548.5 (MANE Select); coding-DNA position 4118, A replaced by G.
Protein change: p.Asp1373Gly; replaces aspartic acid 1373 with glycine.
Molecular consequence: missense variant.
Genome position (GRCh38, 1-based): chr16:2,084,340, A>G. VCF-style: chr16-2084340-A-G. GRCh37 (hg19) VCF-style: chr16-2134341-A-G.
Other names: c.3917A>G, p.Asp1306Gly (NM_001077183.3); c.4049A>G, p.Asp1350Gly (NM_001114382.3); c.3809A>G, p.Asp1270Gly (NM_001318827.2); c.3773A>G, p.Asp1258Gly (NM_001318829.2); c.3386A>G, p.Asp1129Gly (NM_001318831.2); c.3950A>G, p.Asp1317Gly (NM_001318832.2); c.3920A>G, p.Asp1307Gly (NM_001363528.2); c.3986A>G, p.Asp1329Gly (NM_001370404.1); and 1 more; short protein forms D1258G, D1307G, D1329G, D1350G, D1270G, D1306G, D1317G, D1330G.
Identifiers: ClinVar variation 835912 (VCV000835912.10), dbSNP rs1596416094, ClinGen allele CA394299543.